The following is an entry in ClinVar:

ClinVar aggregate classification (germline): Uncertain significance (1 of 4 stars; one submission).

Conditions:
Progressive familial intrahepatic cholestasis type 3. Also called: MDR3 DEFICIENCY; Low Gamma-GT Familial Intrahepatic Cholestasis. Identifiers: Orphanet 79305, MedGen C1865643, MONDO:0011214, OMIM 602347.

Submission:

Baylor Genetics
Classification: Uncertain significance for Progressive familial intrahepatic cholestasis type 3. Last evaluated: 2020-10-21. Review status: criteria provided, single submitter. Criteria: ACMG Guidelines, 2015. Collection method: clinical testing. Allele origin: unknown. Affected: yes.
Comment: This variant was determined to be of uncertain significance according to ACMG Guidelines, 2015 [PMID:25741868].

NM_000443.4(ABCB4):c.1134C>T (p.Asp378=)

Gene: ABCB4 (ATP binding cassette subfamily B member 4; minus strand). Cytogenetic location: 7q21.12.
Variant type: single nucleotide variant.
Coding change: c.1134C>T on transcript NM_000443.4 (MANE Select); coding-DNA position 1134, C replaced by T.
Protein change: p.Asp378=; no amino-acid change (aspartic acid 378 retained).
Molecular consequence: synonymous variant.
Genome position (GRCh38, 1-based): chr7:87,443,759, G>A on the plus strand (C>T on the coding strand, the complement: ABCB4 is on the minus strand). VCF-style: chr7-87443759-G-A. GRCh37 (hg19) VCF-style: chr7-87073075-G-A.
Other names: c.1134C>T, p.Asp378= (NM_018849.3, NM_018850.3).
Identifiers: ClinVar variation 1028758 (VCV001028758.1), dbSNP rs1811153797, ClinGen allele CA456350136.